The following is an entry in ClinVar:

NM_000260.4(MYO7A):c.5837_5838del (p.Phe1946fs)

Gene: MYO7A (myosin VIIA; plus strand). Cytogenetic location: 11q13.5.
Variant type: Deletion.
Coding change: c.5837_5838del on transcript NM_000260.4 (MANE Select); coding-DNA positions 5837 to 5838, 2 bases deleted (TT; older notation c.5837_5838delTT).
Protein change: p.Phe1946fs; shifts the reading frame from phenylalanine 1946.
Molecular consequence: frameshift variant.
Genome position (GRCh38, 1-based): chr11:77,207,383-77,207,384, TT deleted; deleting any 2 consecutive bases within chr11:77,207,382-77,207,384 gives the same sequence; the c. name uses the placement nearest the transcript's 3' end. VCF-style (leftmost placement, unchanged base first): chr11-77207381-CTT-C. GRCh37 (hg19) VCF-style: chr11-76918426-CTT-C.
Other names: c.5723_5724del, p.Phe1908fs (NM_001127180.2); c.5690_5691del, p.Phe1897fs (NM_001369365.1); c.5837_5838delTT (NM_000260.3); short protein forms F1897fs, F1908fs, F1946fs.
Identifiers: ClinVar variation 956958 (VCV000956958.10), dbSNP rs1957520269, ClinGen allele CA1139662097.

ClinVar aggregate classification (germline): Pathogenic/Likely pathogenic. Review status: criteria provided, multiple submitters, no conflicts (2 of 4 stars). 3 submissions from 3 submitters: Pathogenic (2); Likely pathogenic (1). Last evaluated 2024-04-08.

Conditions:
Usher syndrome type 1B (USH1B). Also called: Usher syndrome type IB. Identifiers: MedGen C1848638, MONDO:0700087.

Submissions (3):

Natera, Inc.
Classification: Likely pathogenic for Usher syndrome type 1B. Last evaluated: 2024-04-08. Review status: criteria provided, single submitter. Criteria: Natera Variant Classification Schema (03/2026). Collection method: clinical testing. Allele origin: germline.
Comment: The c.5837_5838delTT variant in MYO7A is a frameshift variant predicted to shift the reading frame beginning at codon 1946 and leads to a stop codon 12 codons downstream. This variant is expected to result in nonsense mediated decay, truncation, or a dysfunctional protein product. This variant is rare in the general population with a frequency below the threshold expected for the associated phenotype(s). Given the available evidence, this variant is classified as Likely Pathogenic.

GeneDx
Classification: Pathogenic. Last evaluated: 2021-09-14. Review status: criteria provided, single submitter. Criteria: GeneDx Variant Classification Process June 2021. Collection method: clinical testing. Allele origin: germline. Affected: yes.
Comment: Frameshift variant predicted to result in protein truncation or nonsense mediated decay in a gene for which loss-of-function is a known mechanism of disease; Not observed in large population cohorts (Lek et al., 2016); Has not been previously published as pathogenic or benign to our knowledge

Labcorp Genetics (formerly Invitae), Labcorp
Classification: Pathogenic. Last evaluated: 2019-09-21. Review status: criteria provided, single submitter. Criteria: Invitae Variant Classification Sherloc (09022015). Collection method: clinical testing. Allele origin: germline.
Comment: This sequence change creates a premature translational stop signal (p.Phe1946Cysfs*12) in the MYO7A gene. It is expected to result in an absent or disrupted protein product. For these reasons, this variant has been classified as Pathogenic. Loss-of-function variants in MYO7A are known to be pathogenic (PMID: 8900236, 25404053). This variant has not been reported in the literature in individuals with MYO7A-related conditions. This variant is not present in population databases (ExAC no frequency).

Literature cited by the submitters: PubMed 8900236 (cited by Labcorp Genetics (formerly Invitae), Labcorp); PubMed 25404053 (cited by Labcorp Genetics (formerly Invitae), Labcorp).